The following is an entry in ClinVar:

ClinVar aggregate classification (germline): Uncertain significance (1 of 4 stars; one submission).

Conditions:
Neonatal-onset encephalopathy with rigidity and seizures. Also called: Lethal neonatal spasticity-epileptic encephalopathy syndrome. Identifiers: Orphanet 435845, MedGen C3281029, MONDO:0013784, OMIM 614498.

Allele frequency attached by ClinVar (database versions not stated): gnomAD 0.00001; TOPMed 0.00001.
gnomAD v4.1: 36 of 1,598,142 alleles (0.0023%); highest among the groups gnomAD compares: Non-Finnish European, 0.0029%; no homozygotes.

Submission:

Labcorp Genetics (formerly Invitae), Labcorp
Classification: Uncertain significance for Neonatal-onset encephalopathy with rigidity and seizures. Last evaluated: 2021-03-05. Review status: criteria provided, single submitter. Criteria: Invitae Variant Classification Sherloc (09022015). Collection method: clinical testing. Allele origin: germline.
Comment: Algorithms developed to predict the effect of missense changes on protein structure and function are either unavailable or do not agree on the potential impact of this missense change (SIFT: "Tolerated"; PolyPhen-2: "Possibly Damaging"; Align-GVGD: "Class C0"). In summary, the available evidence is currently insufficient to determine the role of this variant in disease. Therefore, it has been classified as a Variant of Uncertain Significance. This variant has not been reported in the literature in individuals with BRAT1-related conditions. This variant is not present in population databases (ExAC no frequency). This sequence change replaces phenylalanine with leucine at codon 432 of the BRAT1 protein (p.Phe432Leu). The phenylalanine residue is moderately conserved and there is a small physicochemical difference between phenylalanine and leucine.

NM_152743.4(BRAT1):c.1296C>G (p.Phe432Leu)

Gene: BRAT1 (BRCA1 associated ATM activator 1; minus strand). Cytogenetic location: 7p22.3.
Variant type: single nucleotide variant.
Coding change: c.1296C>G on transcript NM_152743.4 (MANE Select); coding-DNA position 1296, C replaced by G.
Protein change: p.Phe432Leu; replaces phenylalanine 432 with leucine.
Molecular consequence: missense variant. On other transcripts: non-coding transcript variant (1).
Genome position (GRCh38, 1-based): chr7:2,541,323, G>C on the plus strand (C>G on the coding strand, the complement: BRAT1 is on the minus strand). VCF-style: chr7-2541323-G-C. GRCh37 (hg19) VCF-style: chr7-2580957-G-C.
Other names: c.1296C>G, p.Phe432Leu (NM_001350626.2); c.771C>G, p.Phe257Leu (NM_001350627.2); short protein forms F257L, F432L.
Identifiers: ClinVar variation 653455 (VCV000653455.6), dbSNP rs141653707, ClinGen allele CA366628966.